The following is an entry in ClinVar:

ClinVar aggregate classification (germline): Uncertain significance. Review status: criteria provided, multiple submitters, no conflicts (2 of 4 stars). 2 submissions from 2 submitters: Uncertain significance (2). Last evaluated 2026-03-09.

Conditions:
Neuroblastoma, susceptibility to, 3. Also called: ALK-Related Neuroblastic Tumor Susceptibility. Identifiers: Orphanet 635, MedGen C2751681, MONDO:0013083, OMIM 613014.
Hereditary cancer-predisposing syndrome. Also called: Neoplastic Syndromes, Hereditary; Tumor predisposition; Hereditary Cancer Syndrome; Hereditary neoplastic syndrome. Identifiers: Orphanet 140162, MedGen C0027672, MeSH D009386, MONDO:0015356.

Submissions (2):

Ambry Genetics
Classification: Uncertain significance for Hereditary cancer-predisposing syndrome. Last evaluated: 2026-03-09. Review status: criteria provided, single submitter. Criteria: Ambry Variant Classification Scheme 2023. Collection method: clinical testing. Allele origin: germline.
Comment: The p.G1420R variant (also known as c.4258G>A), located in coding exon 29 of the ALK gene, results from a G to A substitution at nucleotide position 4258. The glycine at codon 1420 is replaced by arginine, an amino acid with dissimilar properties. This amino acid position is conserved. In addition, this alteration is predicted to be tolerated by in silico analysis. Based on the available evidence, the clinical significance of this variant remains unclear.

Labcorp Genetics (formerly Invitae), Labcorp
Classification: Uncertain significance for Neuroblastoma, susceptibility to, 3. Last evaluated: 2024-09-05. Review status: criteria provided, single submitter. Criteria: Invitae Variant Classification Sherloc (09022015). Collection method: clinical testing. Allele origin: germline.
Comment: This sequence change replaces glycine, which is neutral and non-polar, with arginine, which is basic and polar, at codon 1420 of the ALK protein (p.Gly1420Arg). This variant is not present in population databases (gnomAD no frequency). This variant has not been reported in the literature in individuals affected with ALK-related conditions. An algorithm developed to predict the effect of missense changes on protein structure and function outputs the following: PolyPhen-2: "Benign". The arginine amino acid residue is found in multiple mammalian species, which suggests that this missense change does not adversely affect protein function. In summary, the available evidence is currently insufficient to determine the role of this variant in disease. Therefore, it has been classified as a Variant of Uncertain Significance.

NM_004304.5(ALK):c.4258G>A (p.Gly1420Arg)

Gene: ALK (ALK receptor tyrosine kinase; minus strand). Cytogenetic location: 2p23.2.
Variant type: single nucleotide variant.
Coding change: c.4258G>A on transcript NM_004304.5 (MANE Select); coding-DNA position 4258, G replaced by A.
Protein change: p.Gly1420Arg; replaces glycine 1420 with arginine.
Molecular consequence: missense variant.
Genome position (GRCh38, 1-based): chr2:29,193,829, C>T on the plus strand (G>A on the coding strand, the complement: ALK is on the minus strand). VCF-style: chr2-29193829-C-T. GRCh37 (hg19) VCF-style: chr2-29416695-C-T.
Other names: c.1054G>A, p.Gly352Arg (NM_001353765.2); c.4258G>A (NM_004304.4); short protein forms G1420R, G352R.
Identifiers: ClinVar variation 2998816 (VCV002998816.4), dbSNP rs1668952416, ClinGen allele CA346462990.